The following is an entry in ClinVar:

ClinVar aggregate classification (germline): Benign. Review status: criteria provided, multiple submitters, no conflicts (2 of 4 stars). 2 submissions from 2 submitters: Benign (2). Last evaluated 2016-02-19.

Allele frequency attached by ClinVar (database versions not stated): 1000 Genomes Project 0.03095; 1000 Genomes Project 30x 0.03154; TOPMed 0.06602; ExAC 0.06871; gnomAD 0.06908 and 0.07113; gnomAD exomes 0.06974 and 0.09553; ESP Exome Variant Server 0.07503.
gnomAD v4.1: 149,028 of 1,608,448 alleles (9.3%); highest among the groups gnomAD compares: Non-Finnish European, 11%; 7,894 homozygotes.

Submissions (2):

GeneDx
Classification: Benign. Last evaluated: 2016-02-19. Review status: criteria provided, single submitter. Criteria: GeneDx Variant Classification (06012015). Collection method: clinical testing. Allele origin: germline. Affected: yes.
Comment: This variant is considered likely benign or benign based on one or more of the following criteria: it is a conservative change, it occurs at a poorly conserved position in the protein, it is predicted to be benign by multiple in silico algorithms, and/or has population frequency not consistent with disease.

Breakthrough Genomics
Classification: Benign. Review status: criteria provided, single submitter. Criteria: ACMG Guidelines, 2015. Collection method: not provided. Allele origin: germline. Inheritance: Autosomal recessive inheritance. Affected: yes.

NM_001128159.3(VPS53):c.-44G>A

Gene: VPS53 (VPS53 subunit of GARP complex; minus strand). Cytogenetic location: 17p13.3.
Variant type: single nucleotide variant.
Coding change: c.-44G>A on transcript NM_001128159.3 (MANE Select); 44 bases upstream of the start codon, G replaced by A.
Molecular consequence: 5 prime UTR variant.
Genome position (GRCh38, 1-based): chr17:714,753, C>T on the plus strand (G>A on the coding strand, the complement: VPS53 is on the minus strand). VCF-style: chr17-714753-C-T. GRCh37 (hg19) VCF-style: chr17-617993-C-T.
Other names: c.-44G>A (NM_001366253.2, NM_018289.4); c.-736G>A (NM_001366254.2).
Identifiers: ClinVar variation 380893 (VCV000380893.2), dbSNP rs35915949, ClinGen allele CA8261948.